The following is an entry in ClinVar:

ClinVar aggregate classification (germline): Pathogenic. Review status: criteria provided, single submitter (1 of 4 stars). 2 submissions from 2 submitters: Pathogenic (1). 1 of the submissions does not count toward it. Last evaluated 2023-08-04.

Conditions:
Cystic fibrosis (CF). Also called: MUCOVISCIDOSIS. Identifiers: Orphanet 586, MedGen C0010674, MONDO:0009061, OMIM 219700. Disease mechanism: loss of function.

Allele frequency attached by ClinVar (database versions not stated): TOPMed 0.00001.
gnomAD v4.1: 1 of 1,612,602 alleles (0.000062%); highest among the groups gnomAD compares: African/African-American, 0.0013%; no homozygotes.

Submissions (2):

Labcorp Genetics (formerly Invitae), Labcorp
Classification: Pathogenic for Cystic fibrosis. Last evaluated: 2023-08-04. Review status: criteria provided, single submitter. Criteria: Invitae Variant Classification Sherloc (09022015). Collection method: clinical testing. Allele origin: germline.
Comment: Disruption of this splice site has been observed in individuals with cystic fibrosis (PMID: 10834512, 21520337, 30548586). ClinVar contains an entry for this variant (Variation ID: 53191). Algorithms developed to predict the effect of sequence changes on RNA splicing suggest that this variant may disrupt the consensus splice site. For these reasons, this variant has been classified as Pathogenic. This variant is not present in population databases (gnomAD no frequency). This sequence change affects a donor splice site in intron 8 of the CFTR gene. It is expected to disrupt RNA splicing. Variants that disrupt the donor or acceptor splice site typically lead to a loss of protein function (PMID: 16199547), and loss-of-function variants in CFTR are known to be pathogenic (PMID: 1695717, 7691345, 9725922).

ClinVar Staff, National Center for Biotechnology Information (NCBI)
No classification provided. Condition: CFTR-related disorders. Review status: no classification provided. Collection method: literature only. Allele origin: germline. Affected: yes. Not counted in ClinVar's aggregate classification.

Literature cited by the submitters: PubMed 10834512 (cited by Labcorp Genetics (formerly Invitae), Labcorp); PubMed 21520337 (cited by Labcorp Genetics (formerly Invitae), Labcorp); PubMed 30548586 (cited by Labcorp Genetics (formerly Invitae), Labcorp); PubMed 16199547 (cited by Labcorp Genetics (formerly Invitae), Labcorp); PubMed 1695717 (cited by Labcorp Genetics (formerly Invitae), Labcorp); PubMed 7691345 (cited by Labcorp Genetics (formerly Invitae), Labcorp); PubMed 9725922 (cited by Labcorp Genetics (formerly Invitae), Labcorp); PubMed 11379874 (cited by ClinVar Staff, National Center for Biotechnology Information (NCBI)).

NM_000492.4(CFTR):c.1116+1G>C

Gene: CFTR (CF transmembrane conductance regulator; plus strand). Cytogenetic location: 7q31.2.
Variant type: single nucleotide variant.
Coding change: c.1116+1G>C on transcript NM_000492.4 (MANE Select); the canonical splice donor site of the intron after coding-DNA position 1116, G replaced by C.
Molecular consequence: splice donor variant.
Genome position (GRCh38, 1-based): chr7:117,540,347, G>C. VCF-style: chr7-117540347-G-C. GRCh37 (hg19) VCF-style: chr7-117180401-G-C.
Identifiers: ClinVar variation 53191 (VCV000053191.4), dbSNP rs397508158, ClinGen allele CA326406.
Genomic context (GRCh38, chr7:117,540,347, plus strand): 5'-CAATTTCCCTGGGCTGTACAAACATGGTATGACTCTCTTGGAGCAATAAACAAAATACAG[G>C]TAATGTACCATAATGCTGCATTATATACTATGATTTAAATAATCAGTCAATAGATCAGTT-3'